The following is an entry in ClinVar:

ClinVar aggregate classification (germline): Pathogenic. Review status: criteria provided, multiple submitters, no conflicts (2 of 4 stars). 3 submissions from 3 submitters: Pathogenic (2). 1 of the submissions does not count toward it.

Conditions:
Ogden syndrome (OGDNS). Also called: N-TERMINAL ACETYLTRANSFERASE DEFICIENCY. Identifiers: Orphanet 276432, MedGen C3275447, MONDO:0010457, OMIM 300855.
Microphthalmia, syndromic 1 (MCOPS1). Also called: ANOP1. Identifiers: Orphanet 568, Orphanet 85275, MedGen C0796016, MONDO:0010671, OMIM 309800.

Submissions (3):

Imagene.me medical diagnostic laboratory, IMAGENE.ME SA
Classification: Pathogenic for Ogden syndrome. Review status: criteria provided, single submitter. Criteria: IMAGENE.ME Variant Classification SOP 2022. Collection method: clinical testing. Allele origin: germline. Affected: yes.
Comment: Classified according to the IMAGENE.ME variant classification SOP based on the ACMG guidelines as Pathogenic (P): PS3_Supporting + PS4_Moderate + PM1 + PM2 + PP1_Strong + PP2 + PP3 + PP4_Strong + PP5

Neuberg Centre For Genomic Medicine, NCGM
Classification: Pathogenic for Microphthalmia, syndromic 1. Review status: criteria provided, single submitter. Criteria: ACMG Guidelines, 2015. Collection method: clinical testing. Allele origin: germline. Inheritance: X-linked inheritance. Affected: yes.
Comment: The missense c.109T>C (p.Ser37Pro) variant in NAA10 gene has been reported in multiple individuals from two families affected with NAA10-related Ogden syndrome (Rope et al., 2011). It has also been observed to segregate with disease in related individuals (Rope et al., 2011). Experimental studies showed that this variant impairs both NatA complex formation and NatA catalytic activity (Myklebust et al., 2015). This variant is absent in the gnomAD Exomes. This variant has been submitted to the ClinVar database as Pathogenic. Multiple lines of computational evidence (Polyphen - Probably Damaging, SIFT - Damaging and MutationTaster - Disease causing) predict a damaging effect on protein structure and function for this variant. The reference amino acid at this position in NAA10 is predicted as conserved by GERP++ and PhyloP across 100 vertebrates. The amino acid Ser at position 37 is changed to a Pro changing protein sequence and it might alter its composition and physico-chemical properties. For these reasons, this variant has been classified as Pathogenic.

OMIM
Classification: Pathogenic for OGDEN SYNDROME. Last evaluated: 2011-07-15. Review status: no assertion criteria provided. Collection method: literature only. Allele origin: germline. Not counted in ClinVar's aggregate classification.

Literature cited by the submitters: PubMed 21700266 (cited by OMIM); PubMed 25489052 (cited by OMIM).

NM_003491.4(NAA10):c.109T>C (p.Ser37Pro)

Gene: NAA10 (N-alpha-acetyltransferase 10, NatA catalytic subunit; minus strand). Cytogenetic location: Xq28.
Variant type: single nucleotide variant.
Coding change: c.109T>C on transcript NM_003491.4 (MANE Select); coding-DNA position 109, T replaced by C.
Protein change: p.Ser37Pro; replaces serine 37 with proline.
Molecular consequence: missense variant.
Genome position (GRCh38, 1-based): chrX:153,934,388, A>G on the plus strand (T>C on the coding strand, the complement: NAA10 is on the minus strand). VCF-style: chrX-153934388-A-G. GRCh37 (hg19) VCF-style: chrX-153199841-A-G.
Other names: c.109T>C, p.Ser37Pro (NM_001256119.2, NM_001256120.2); short protein forms S37P.
Identifiers: ClinVar variation 29927 (VCV000029927.5), dbSNP rs387906701, ClinGen allele CA128774.